The following is an entry in ClinVar:

NM_000553.6(WRN):c.1652+5G>A

Gene: WRN (WRN RecQ like helicase; plus strand). Cytogenetic location: 8p12.
Variant type: single nucleotide variant.
Coding change: c.1652+5G>A on transcript NM_000553.6 (MANE Select); 5 bases into the intron after coding-DNA position 1652, G replaced by A.
Molecular consequence: intron variant.
Genome position (GRCh38, 1-based): chr8:31,088,970, G>A. VCF-style: chr8-31088970-G-A. GRCh37 (hg19) VCF-style: chr8-30946486-G-A.
Identifiers: ClinVar variation 1413854 (VCV001413854.6), dbSNP rs377547394, ClinGen allele CA2573142724.

ClinVar aggregate classification (germline): Uncertain significance (1 of 4 stars; one submission).

Conditions:
Werner syndrome (WRN). Identifiers: Orphanet 902, MedGen C0043119, MONDO:0010196, OMIM 277700.

Submission:

Labcorp Genetics (formerly Invitae), Labcorp
Classification: Uncertain significance for Werner syndrome. Last evaluated: 2021-08-28. Review status: criteria provided, single submitter. Criteria: Invitae Variant Classification Sherloc (09022015). Collection method: clinical testing. Allele origin: germline.
Comment: This variant has not been reported in the literature in individuals affected with WRN-related conditions. This variant is not present in population databases (ExAC no frequency). This sequence change falls in intron 13 of the WRN gene. It does not directly change the encoded amino acid sequence of the WRN protein. It affects a nucleotide within the consensus splice site of the intron. Variants that disrupt the consensus splice site are a relatively common cause of aberrant splicing (PMID: 17576681, 9536098). Algorithms developed to predict the effect of sequence changes on RNA splicing suggest that this variant may disrupt the consensus splice site. In summary, the available evidence is currently insufficient to determine the role of this variant in disease. Therefore, it has been classified as a Variant of Uncertain Significance.

Literature cited by the submitters: PubMed 17576681; PubMed 9536098.